The following is an entry in ClinVar:

ClinVar aggregate classification (germline): Uncertain significance (1 of 4 stars; one submission).

Allele frequency attached by ClinVar (database versions not stated): ExAC 0.00002; gnomAD 0.00001; gnomAD exomes 0.00001; TOPMed 0.00001; ESP Exome Variant Server 0.00015.
gnomAD v4.1: 13 of 1,614,002 alleles (0.00081%); highest among the groups gnomAD compares: Non-Finnish European, 0.001%; no homozygotes.

Submission:

Labcorp Genetics (formerly Invitae), Labcorp
Classification: Uncertain significance. Last evaluated: 2025-08-31. Review status: criteria provided, single submitter. Criteria: Invitae Variant Classification Sherloc (09022015). Collection method: clinical testing. Allele origin: germline.
Comment: This sequence change replaces isoleucine, which is neutral and non-polar, with asparagine, which is neutral and polar, at codon 173 of the STN1 protein (p.Ile173Asn). This variant is present in population databases (rs369991097, gnomAD 0.003%). This variant has not been reported in the literature in individuals affected with STN1-related conditions. ClinVar contains an entry for this variant (Variation ID: 1434873). Invitae Evidence Modeling of protein sequence and biophysical properties (such as structural, functional, and spatial information, amino acid conservation, physicochemical variation, residue mobility, and thermodynamic stability) indicates that this missense variant is expected to disrupt STN1 protein function with a positive predictive value of 80%. In summary, the available evidence is currently insufficient to determine the role of this variant in disease. Therefore, it has been classified as a Variant of Uncertain Significance.

NM_024928.5(STN1):c.518T>A (p.Ile173Asn)

Gene: STN1 (STN1 subunit of CST complex; minus strand). Cytogenetic location: 10q24.33.
Variant type: single nucleotide variant.
Coding change: c.518T>A on transcript NM_024928.5 (MANE Select); coding-DNA position 518, T replaced by A.
Protein change: p.Ile173Asn; replaces isoleucine 173 with asparagine.
Molecular consequence: missense variant.
Genome position (GRCh38, 1-based): chr10:103,898,940, A>T on the plus strand (T>A on the coding strand, the complement: STN1 is on the minus strand). VCF-style: chr10-103898940-A-T. GRCh37 (hg19) VCF-style: chr10-105658698-A-T.
Other names: short protein forms I173N.
Identifiers: ClinVar variation 1434873 (VCV001434873.7), dbSNP rs369991097, ClinGen allele CA5676597.